The following is an entry in ClinVar:

ClinVar aggregate classification (germline): Likely benign. Review status: criteria provided, multiple submitters, no conflicts (2 of 4 stars). 5 submissions from 5 submitters: Likely benign (5). Last evaluated 2025-12-27.

Conditions:
MVK-related disorder. Also called: MVK-related condition; MVK-related disorders. Identifiers: MedGen CN239294.
Mevalonic aciduria (MEVA). Identifiers: Orphanet 29, MedGen C1959626, MONDO:0012481, OMIM 610377.
Porokeratosis 3, disseminated superficial actinic type (POROK3). Also called: POROKERATOSIS 3, MULTIPLE TYPES; POROKERATOSIS 3, MIBELLI TYPE; POROKERATOSIS, DISSEMINATED SUPERFICIAL ACTINIC, 1. Identifiers: MedGen C1867981, MONDO:0008293, OMIM 175900.
Hyperimmunoglobulin D with periodic fever (HIDS). Also called: Hyperimmunoglobulinemia D with periodic fever; Hyperimmunoglobulinemia D; HYPERIMMUNOGLOBULINEMIA D AND PERIODIC FEVER SYNDROME. Identifiers: Orphanet 343, MedGen C0398691, MONDO:0009849, OMIM 260920.

Allele frequency attached by ClinVar (database versions not stated): gnomAD exomes 0.00003 and 0.00008; ESP Exome Variant Server 0.00008; ExAC 0.00009; gnomAD 0.00021 and 0.00024; TOPMed 0.00030.
gnomAD v4.1: 73 of 1,613,570 alleles (0.0045%); highest among the groups gnomAD compares: African/African-American, 0.091%; 1 homozygote.

Submissions (5):

Labcorp Genetics (formerly Invitae), Labcorp
Classification: Likely benign for Mevalonic aciduria; Hyperimmunoglobulin D with periodic fever; Porokeratosis 3, disseminated superficial actinic type. Last evaluated: 2025-12-27. Review status: criteria provided, single submitter. Criteria: Invitae Variant Classification Sherloc (09022015). Collection method: clinical testing. Allele origin: germline.

CeGaT Center for Human Genetics Tuebingen
Classification: Likely benign. Last evaluated: 2025-07-01. Review status: criteria provided, single submitter. Criteria: CeGaT Center For Human Genetics Tuebingen Variant Classification Criteria Version 2. Collection method: clinical testing. Allele origin: germline. Affected: yes. Observed: 1 variant allele.
Comment: MVK: BP4, BP7

PreventionGenetics, part of Exact Sciences
Classification: Likely benign for MVK-related condition. Last evaluated: 2024-11-22. Review status: criteria provided, single submitter. Criteria: ACMG Guidelines, 2015. Collection method: clinical testing. Allele origin: germline.
Comment: This variant is classified as likely benign based on ACMG/AMP sequence variant interpretation guidelines (Richards et al. 2015 PMID: 25741868, with internal and published modifications).

Blueprint Genetics
Classification: Likely benign. Last evaluated: 2022-09-09. Review status: criteria provided, single submitter. Criteria: ACMG Guidelines, 2015. Collection method: clinical testing. Allele origin: germline.

GeneDx
Classification: Likely benign. Last evaluated: 2018-02-26. Review status: criteria provided, single submitter. Criteria: GeneDx Variant Classification (06012015). Collection method: clinical testing. Allele origin: germline. Affected: yes.
Comment: This variant is considered likely benign or benign based on one or more of the following criteria: it is a conservative change, it occurs at a poorly conserved position in the protein, it is predicted to be benign by multiple in silico algorithms, and/or has population frequency not consistent with disease.

NM_000431.4(MVK):c.618T>A (p.Ala206=)

Gene: MVK (mevalonate kinase; plus strand). Cytogenetic location: 12q24.11.
Variant type: single nucleotide variant.
Coding change: c.618T>A on transcript NM_000431.4 (MANE Select); coding-DNA position 618, T replaced by A.
Protein change: p.Ala206=; no amino-acid change (alanine 206 retained).
Molecular consequence: synonymous variant.
Genome position (GRCh38, 1-based): chr12:109,586,112, T>A. VCF-style: chr12-109586112-T-A. GRCh37 (hg19) VCF-style: chr12-110023917-T-A.
Other names: c.618T>A (LRG_156t1); c.618T>A, p.Ala206= (NM_001114185.3); c.462T>A, p.Ala154= (NM_001301182.2).
Identifiers: ClinVar variation 515729 (VCV000515729.21), dbSNP rs370745426, ClinGen allele CA6779310.